The following is an entry in ClinVar:

ClinVar aggregate classification (germline): Pathogenic/Likely pathogenic. Review status: criteria provided, multiple submitters, no conflicts (2 of 4 stars). 4 submissions from 4 submitters: Pathogenic (3); Likely pathogenic (1). Last evaluated 2025-11-12.

Conditions:
Primary ciliary dyskinesia 11. Also called: CILIARY DYSKINESIA, PRIMARY, 11, WITHOUT SITUS INVERSUS. Identifiers: Orphanet 244, MedGen C2675229, MONDO:0012978, OMIM 612649.
Primary ciliary dyskinesia. Also called: Ciliary dyskinesia. Identifiers: Orphanet 244, MedGen C0008780, MONDO:0016575, HP:0012265.
RSPH4A-related disorder. Also called: RSPH4A-related condition.

Allele frequency attached by ClinVar (database versions not stated): gnomAD 0.00001; gnomAD exomes 0.00001; TOPMed 0.00001; ExAC 0.00002.
gnomAD v4.1: 18 of 1,614,082 alleles (0.0011%); highest among the groups gnomAD compares: Middle Eastern, 0.033%; no homozygotes.

Submissions (4):

PreventionGenetics, part of Exact Sciences
Classification: Likely pathogenic for RSPH4A-related condition. Last evaluated: 2025-11-12. Review status: criteria provided, single submitter. Criteria: ACMG Guidelines, 2015. Collection method: clinical testing. Allele origin: germline.
Comment: The RSPH4A c.430C>T variant is predicted to result in premature protein termination (p.Gln144*). This variant was reported in a family with primary ciliary dyskinesia, however a second variant was not identified (Supplementary Table S1, Kott et al. 2013. PubMed ID: 23993197). This variant is reported in 0.0058% of alleles in individuals of Latino descent in gnomAD. Nonsense variants in RSPH4A are expected to be pathogenic. This variant is interpreted as likely pathogenic.

Labcorp Genetics (formerly Invitae), Labcorp
Classification: Pathogenic for Primary ciliary dyskinesia. Last evaluated: 2025-03-18. Review status: criteria provided, single submitter. Criteria: Invitae Variant Classification Sherloc (09022015). Collection method: clinical testing. Allele origin: germline.
Comment: This sequence change creates a premature translational stop signal (p.Gln144*) in the RSPH4A gene. It is expected to result in an absent or disrupted protein product. Loss-of-function variants in RSPH4A are known to be pathogenic (PMID: 19200523). This variant is present in population databases (rs756868889, gnomAD 0.006%). This premature translational stop signal has been observed in individual(s) with primary ciliary dyskinesia (PMID: 23993197, 31130284). ClinVar contains an entry for this variant (Variation ID: 525269). For these reasons, this variant has been classified as Pathogenic.

3billion
Classification: Pathogenic for Primary ciliary dyskinesia 11. Last evaluated: 2024-06-07. Review status: criteria provided, single submitter. Criteria: ACMG Guidelines, 2015. Collection method: clinical testing. Allele origin: germline. Affected: yes.
Comment: The variant is observed at an extremely low frequency in the gnomAD v4.0.0 dataset (total allele frequency: 0.001%). Predicted Consequence/Location: Stop-gained (nonsense): predicted to result in a loss or disruption of normal protein function through nonsense-mediated decay (NMD) or protein truncation. Multiple pathogenic variants are reported downstream of the variant. The variant has been reported to be associated with RSPH4A-related disorder (ClinVar ID: VCV000525269 /PMID: 23993197). Therefore, this variant is classified as Pathogenic according to the recommendation of ACMG/AMP guideline.

Genomic Medicine Center of Excellence, King Faisal Specialist Hospital and Research Centre
Classification: Pathogenic for Primary ciliary dyskinesia 11. Last evaluated: 2024-03-17. Review status: criteria provided, single submitter. Criteria: ACMG Guidelines, 2015. Collection method: research. Allele origin: germline.

Literature cited by the submitters: PubMed 19200523 (cited by Labcorp Genetics (formerly Invitae), Labcorp); PubMed 23993197 (cited by Labcorp Genetics (formerly Invitae), Labcorp and 3billion); PubMed 31130284 (cited by Labcorp Genetics (formerly Invitae), Labcorp).

NM_001010892.3(RSPH4A):c.430C>T (p.Gln144Ter)

Gene: RSPH4A (radial spoke head component 4A; plus strand). Cytogenetic location: 6q22.1.
Variant type: single nucleotide variant.
Coding change: c.430C>T on transcript NM_001010892.3 (MANE Select); coding-DNA position 430, C replaced by T.
Protein change: p.Gln144Ter; replaces glutamine 144 with a stop codon.
Molecular consequence: nonsense.
Genome position (GRCh38, 1-based): chr6:116,617,053, C>T. VCF-style: chr6-116617053-C-T. GRCh37 (hg19) VCF-style: chr6-116938216-C-T.
Other names: c.430C>T, p.Gln144Ter (NM_001161664.2); short protein forms Q144*.
Identifiers: ClinVar variation 525269 (VCV000525269.17), dbSNP rs756868889, ClinGen allele CA3970763.